The following is an entry in ClinVar:

NM_000501.4(ELN):c.1216G>A (p.Gly406Ser)

Gene: ELN (elastin; plus strand). Cytogenetic location: 7q11.23.
Variant type: single nucleotide variant.
Coding change: c.1216G>A on transcript NM_000501.4 (MANE Select); coding-DNA position 1216, G replaced by A.
Protein change: p.Gly406Ser; replaces glycine 406 with serine.
Molecular consequence: missense variant.
Genome position (GRCh38, 1-based): chr7:74,056,336, G>A. VCF-style: chr7-74056336-G-A. GRCh37 (hg19) VCF-style: chr7-73470666-G-A.
Other names: c.1231G>A, p.Gly411Ser (NM_001081754.3, NM_001081753.3); c.1216G>A, p.Gly406Ser (NM_001081755.3, NM_001278912.2, NM_001278915.2 and 1 more transcripts); c.1108G>A, p.Gly370Ser (NM_001278913.2); c.1201G>A, p.Gly401Ser (NM_001278914.2); c.1174G>A, p.Gly392Ser (NM_001278916.2); c.1186G>A, p.Gly396Ser (NM_001278917.2, NM_001081752.3); c.1084G>A, p.Gly362Ser (NM_001278918.2); short protein forms G362S, G370S, G392S, G396S, G401S, G406S, G411S.
Identifiers: ClinVar variation 1217552 (VCV001217552.12), dbSNP rs782563418, ClinGen allele CA4292898.

ClinVar aggregate classification (germline): Uncertain significance. Review status: criteria provided, multiple submitters, no conflicts (2 of 4 stars). 3 submissions from 3 submitters: Uncertain significance (3). Last evaluated 2026-02-01.

Conditions:
Inborn genetic diseases. Identifiers: MedGen C0950123, MeSH D030342.
Supravalvar aortic stenosis (SVAS). Also called: Supravalvar aortic stenosis, Eisenberg type. Identifiers: Orphanet 3193, MedGen C0003499, MONDO:0008504, OMIM 185500, HP:0004381.

Allele frequency attached by ClinVar (database versions not stated): ExAC 0.00004; gnomAD exomes 0.00004; gnomAD 0.00006; TOPMed 0.00007.
gnomAD v4.1: 75 of 1,614,020 alleles (0.0046%); highest among the groups gnomAD compares: East Asian, 0.029%; no homozygotes.

Submissions (3):

Labcorp Genetics (formerly Invitae), Labcorp
Classification: Uncertain significance for Supravalvar aortic stenosis. Last evaluated: 2026-02-01. Review status: criteria provided, single submitter. Criteria: Invitae Variant Classification Sherloc (09022015). Collection method: clinical testing. Allele origin: germline.
Comment: This sequence change replaces glycine, which is neutral and non-polar, with serine, which is neutral and polar, at codon 406 of the ELN protein (p.Gly406Ser). This variant is present in population databases (rs782563418, gnomAD 0.02%). This missense change has been observed in individual(s) with ELN-related conditions (PMID: 34422331). This variant is also known as c.G1108A (p.G370S). ClinVar contains an entry for this variant (Variation ID: 1217552). Invitae Evidence Modeling of protein sequence and biophysical properties (such as structural, functional, and spatial information, amino acid conservation, physicochemical variation, residue mobility, and thermodynamic stability) indicates that this missense variant is not expected to disrupt ELN protein function with a negative predictive value of 80%. In summary, the available evidence is currently insufficient to determine the role of this variant in disease. Therefore, it has been classified as a Variant of Uncertain Significance.

Ambry Genetics
Classification: Uncertain significance for Inborn genetic diseases. Last evaluated: 2021-07-14. Review status: criteria provided, single submitter. Criteria: Ambry Variant Classification Scheme 2023. Collection method: clinical testing. Allele origin: germline.

GeneDx
Classification: Uncertain significance. Last evaluated: 2021-05-10. Review status: criteria provided, single submitter. Criteria: GeneDx Variant Classification Process June 2021. Collection method: clinical testing. Allele origin: germline. Affected: yes.
Comment: Has not been previously published as pathogenic or benign to our knowledge; In silico analysis supports that this missense variant has a deleterious effect on protein structure/function

Literature cited by the submitters: PubMed 34422331 (cited by Labcorp Genetics (formerly Invitae), Labcorp).